The following is an entry in ClinVar:

ClinVar aggregate classification (germline): Uncertain significance (1 of 4 stars; one submission).

Conditions:
Hereditary cancer-predisposing syndrome. Also called: Hereditary neoplastic syndrome; Neoplastic Syndromes, Hereditary; Tumor predisposition; Hereditary Cancer Syndrome. Identifiers: Orphanet 140162, MedGen C0027672, MeSH D009386, MONDO:0015356.

Submission:

Ambry Genetics
Classification: Uncertain significance for Hereditary cancer-predisposing syndrome. Last evaluated: 2025-09-06. Review status: criteria provided, single submitter. Criteria: Ambry Variant Classification Scheme 2023. Collection method: clinical testing. Allele origin: germline.
Comment: The p.T772S variant (also known as c.2315C>G), located in coding exon 14 of the PMS2 gene, results from a C to G substitution at nucleotide position 2315. The threonine at codon 772 is replaced by serine, an amino acid with similar properties. This amino acid position is conserved. In addition, the in silico prediction for this alteration is inconclusive. Based on the available evidence, the clinical significance of this variant remains unclear.

NM_000535.7(PMS2):c.2315C>G (p.Thr772Ser)

Gene: PMS2 (PMS1 homolog 2, mismatch repair system component; minus strand). Cytogenetic location: 7p22.1.
Variant type: single nucleotide variant.
Coding change: c.2315C>G on transcript NM_000535.7 (MANE Select); coding-DNA position 2315, C replaced by G.
Protein change: p.Thr772Ser; replaces threonine 772 with serine.
Molecular consequence: missense variant. On other transcripts: intron variant (2).
Genome position (GRCh38, 1-based): chr7:5,977,718, G>C on the plus strand (C>G on the coding strand, the complement: PMS2 is on the minus strand). VCF-style: chr7-5977718-G-C. GRCh37 (hg19) VCF-style: chr7-6017349-G-C.
Other names: c.2147C>G, p.Thr716Ser (NM_001406874.1, NM_001406872.1); c.2039C>G, p.Thr680Ser (NM_001406875.1); c.2030C>G, p.Thr677Ser (NM_001406876.1); c.2006C>G, p.Thr669Ser (NM_001406877.1, NM_001406878.1, NM_001322015.2 and 4 more transcripts); c.1910C>G, p.Thr637Ser (NM_001406889.1, NM_001406890.1, NM_001406891.1 and 11 more transcripts); c.1602-4C>G (NM_001406910.1); c.1742C>G, p.Thr581Ser (NM_001406909.1, NM_001406908.1, NM_001322013.2); c.1112C>G, p.Thr371Ser (NM_001406912.1); and 20 more; short protein forms T515S, T610S, T637S, T660S, T664S, T677S, T680S, T706S.
Identifiers: ClinVar variation 4140517 (VCV004140517.1).